The following is an entry in ClinVar:

NM_000540.3(RYR1):c.8190_8191inv (p.Ala2731Thr)

Gene: RYR1 (ryanodine receptor 1; plus strand). Cytogenetic location: 19q13.2.
Variant type: Inversion.
Coding change: c.8190_8191inv on transcript NM_000540.3 (MANE Select).
Protein change: p.Ala2731Thr; replaces alanine 2731 with threonine.
Molecular consequence: missense variant.
Genome position: GRCh38 VCF-style: chr19-38504870-TG-CA. GRCh37 (hg19) VCF-style: chr19-38995510-TG-CA.
Other names: c.8190_8191inv, p.Ala2731Thr (NM_001042723.2); short protein forms A2731T.
Identifiers: ClinVar variation 2201980 (VCV002201980.4), ClinGen allele CA2580097230.

ClinVar aggregate classification (germline): Uncertain significance (1 of 4 stars; one submission).

Conditions:
RYR1-related disorder. Also called: RYR1-related condition; RYR1-related disorders. Identifiers: MedGen CN239331.

Submission:

Labcorp Genetics (formerly Invitae), Labcorp
Classification: Uncertain significance for RYR1-related disorder. Last evaluated: 2025-07-28. Review status: criteria provided, single submitter. Criteria: Invitae Variant Classification Sherloc (09022015). Collection method: clinical testing. Allele origin: germline.
Comment: This sequence change replaces alanine, which is neutral and non-polar, with threonine, which is neutral and polar, at codon 2731 of the RYR1 protein (p.Ala2731Thr). Information on the frequency of this variant in the gnomAD database is not available, as this variant may be reported differently in the database. This variant has not been reported in the literature in individuals affected with RYR1-related conditions. ClinVar contains an entry for this variant (Variation ID: 2201980). Experimental studies and prediction algorithms are not available or were not evaluated, and the functional significance of this variant is currently unknown. In summary, the available evidence is currently insufficient to determine the role of this variant in disease. Therefore, it has been classified as a Variant of Uncertain Significance.